The following is an entry in ClinVar:

ClinVar aggregate classification (germline): Uncertain significance (1 of 4 stars; one submission).

Conditions:
Dyskeratosis congenita, autosomal dominant 6 (DKCA6). Identifiers: Orphanet 3322, MedGen C4225284, MONDO:0014690, OMIM 616553.

Submission:

Labcorp Genetics (formerly Invitae), Labcorp
Classification: Uncertain significance for Dyskeratosis congenita, autosomal dominant 6. Last evaluated: 2025-06-09. Review status: criteria provided, single submitter. Criteria: Invitae Variant Classification Sherloc (09022015). Collection method: clinical testing. Allele origin: germline.
Comment: This sequence change replaces proline, which is neutral and non-polar, with threonine, which is neutral and polar, at codon 522 of the ACD protein (p.Pro522Thr). This variant is present in population databases (no rsID available, gnomAD 0.0009%). This variant has not been reported in the literature in individuals affected with ACD-related conditions. Invitae Evidence Modeling of protein sequence and biophysical properties (such as structural, functional, and spatial information, amino acid conservation, physicochemical variation, residue mobility, and thermodynamic stability) indicates that this missense variant is expected to disrupt ACD protein function with a positive predictive value of 80%. In summary, the available evidence is currently insufficient to determine the role of this variant in disease. Therefore, it has been classified as a Variant of Uncertain Significance.

NM_001082486.2(ACD):c.1306C>A (p.Pro436Thr)

Gene: ACD (ACD shelterin complex subunit and telomerase recruitment factor; minus strand). Cytogenetic location: 16q22.1.
Variant type: single nucleotide variant.
Coding change: c.1306C>A on transcript NM_001082486.2 (MANE Select); coding-DNA position 1306, C replaced by A.
Protein change: p.Pro436Thr; replaces proline 436 with threonine.
Molecular consequence: missense variant.
Genome position (GRCh38, 1-based): chr16:67,657,677, G>T on the plus strand (C>A on the coding strand, the complement: ACD is on the minus strand). VCF-style: chr16-67657677-G-T. GRCh37 (hg19) VCF-style: chr16-67691580-G-T.
Other names: c.1219C>A, p.Pro407Thr (NM_001410884.1); c.1297C>A, p.Pro433Thr (NM_022914.3); short protein forms P407T, P436T, P433T.
Identifiers: ClinVar variation 4750595 (VCV004750595.1).